The following is an entry in ClinVar:

NC_012920.1(MT-ATP6):m.9016A>G

Gene: MT-ATP6 (mitochondrially encoded ATP synthase 6; plus strand).
Variant type: single nucleotide variant.
Genome position: chrM-9016-A-G.
Identifiers: ClinVar variation 693055 (VCV000693055.1), dbSNP rs1556423591, ClinGen allele CA414801876.

ClinVar aggregate classification (germline): Likely benign (1 of 4 stars; one submission).

Conditions:
Leigh syndrome (NULS). Also called: Leigh's necrotizing encephalopathy; Leigh's disease; Leigh Syndrome (mtDNA deletion); Leigh Disease; Subacute necrotizing encephalopathy; Necrotizing encephalopathy infantile subacute of Leigh. Identifiers: Orphanet 506, MedGen C2931891, MONDO:0009723, OMIM 256000.

Submission:

Wong Mito Lab, Molecular and Human Genetics, Baylor College of Medicine
Classification: Likely benign for Leigh syndrome. Last evaluated: 2019-10-17. Review status: criteria provided, single submitter. Criteria: Modified ACMG Guidelines (Unpublished). Collection method: clinical testing. Allele origin: germline.
Comment: The NC_012920.1:m.9016A>G (YP_003024031.1:p.Ile164Val) variant in MTATP6 gene is interpretated to be a Likely Benign variant based on the modified ACMG guidelines (unpublished). This variant meets the following evidence codes: BS1, BP6

Literature cited by the submitters: PubMed 16050984; PubMed 17123466.